The following is an entry in ClinVar:

NM_007194.4(CHEK2):c.608A>C (p.Asp203Ala)

Gene: CHEK2 (checkpoint kinase 2; minus strand). Cytogenetic location: 22q12.1.
Variant type: single nucleotide variant.
Coding change: c.608A>C on transcript NM_007194.4 (MANE Select); coding-DNA position 608, A replaced by C.
Protein change: p.Asp203Ala; replaces aspartic acid 203 with alanine.
Molecular consequence: missense variant. On other transcripts: 5 prime UTR variant (2), intron variant (1).
Genome position (GRCh38, 1-based): chr22:28,719,470, T>G on the plus strand (A>C on the coding strand, the complement: CHEK2 is on the minus strand). VCF-style: chr22-28719470-T-G. GRCh37 (hg19) VCF-style: chr22-29115458-T-G.
Other names: c.737A>C, p.Asp246Ala (NM_001005735.3, NM_001438294.1); c.-56A>C (NM_001257387.3, NM_001437942.1); c.701A>C, p.Asp234Ala (NM_001438293.1, NM_001438295.1); c.608A>C, p.Asp203Ala (NM_145862.3); c.482+5416A>C (NM_001349956.3); short protein forms D203A, D246A, D234A.
Identifiers: ClinVar variation 530159 (VCV000530159.9), dbSNP rs587782813, ClinGen allele CA411105127.

ClinVar aggregate classification (germline): Uncertain significance (1 of 4 stars; one submission).

Conditions:
Familial cancer of breast. Also called: BREAST CANCER, FAMILIAL; Hereditary breast cancer; hereditary breast carcinoma. Identifiers: Orphanet 227535, MedGen C0346153, MONDO:0016419, OMIM 114480. Disease mechanism: loss of function.

Submission:

Labcorp Genetics (formerly Invitae), Labcorp
Classification: Uncertain significance for Familial cancer of breast. Last evaluated: 2017-10-22. Review status: criteria provided, single submitter. Criteria: Invitae Variant Classification Sherloc (09022015). Collection method: clinical testing. Allele origin: germline.
Comment: This sequence change replaces aspartic acid with alanine at codon 203 of the CHEK2 protein (p.Asp203Ala). The aspartic acid residue is highly conserved and there is a moderate physicochemical difference between aspartic acid and alanine. This variant is not present in population databases (ExAC no frequency). This variant has not been reported in the literature in individuals with CHEK2-related disease. Algorithms developed to predict the effect of missense changes on protein structure and function do not agree on the potential impact of this missense change (SIFT: "Deleterious"; PolyPhen-2: "Probably Damaging"; Align-GVGD: "Class C0"). In summary, the available evidence is currently insufficient to determine the role of this variant in disease. Therefore, it has been classified as a Variant of Uncertain Significance.